The following is an entry in ClinVar:

ClinVar aggregate classification (germline): Uncertain significance. Review status: criteria provided, multiple submitters, no conflicts (2 of 4 stars). 2 submissions from 2 submitters: Uncertain significance (2). Last evaluated 2024-07-12.

Conditions:
Autoimmune lymphoproliferative syndrome type 2A (ALPS2A). Also called: CASP10-Related Autoimmune Lymphoproliferative Syndrome; AUTOIMMUNE LYMPHOPROLIFERATIVE SYNDROME, TYPE IIA; Autoimmune lymphoproliferative syndrome type 2. Identifiers: Orphanet 3261, MedGen C1858968, MONDO:0011383, OMIM 603909.

Submissions (2):

GeneDx
Classification: Uncertain significance. Last evaluated: 2024-07-12. Review status: criteria provided, single submitter. Criteria: GeneDx Variant Classification Process June 2021. Collection method: clinical testing. Allele origin: germline. Affected: yes.
Comment: Not observed at significant frequency in large population cohorts (gnomAD); In silico analysis supports that this missense variant has a deleterious effect on protein structure/function; Has not been previously published as pathogenic or benign to our knowledge

Labcorp Genetics (formerly Invitae), Labcorp
Classification: Uncertain significance for Autoimmune lymphoproliferative syndrome type 2A. Last evaluated: 2024-04-04. Review status: criteria provided, single submitter. Criteria: Invitae Variant Classification Sherloc (09022015). Collection method: clinical testing. Allele origin: germline.
Comment: This sequence change replaces glutamic acid, which is acidic and polar, with alanine, which is neutral and non-polar, at codon 146 of the CASP10 protein (p.Glu146Ala). This variant is not present in population databases (gnomAD no frequency). This variant has not been reported in the literature in individuals affected with CASP10-related conditions. Advanced modeling of protein sequence and biophysical properties (such as structural, functional, and spatial information, amino acid conservation, physicochemical variation, residue mobility, and thermodynamic stability) performed at Invitae indicates that this missense variant is not expected to disrupt CASP10 protein function with a negative predictive value of 80%. In summary, the available evidence is currently insufficient to determine the role of this variant in disease. Therefore, it has been classified as a Variant of Uncertain Significance.

NM_032977.4(CASP10):c.437A>C (p.Glu146Ala)

Gene: CASP10 (caspase 10; plus strand). Cytogenetic location: 2q33.1.
Variant type: single nucleotide variant.
Coding change: c.437A>C on transcript NM_032977.4 (MANE Select); coding-DNA position 437, A replaced by C.
Protein change: p.Glu146Ala; replaces glutamic acid 146 with alanine.
Molecular consequence: missense variant.
Genome position (GRCh38, 1-based): chr2:201,187,795, A>C. VCF-style: chr2-201187795-A-C. GRCh37 (hg19) VCF-style: chr2-202052518-A-C.
Other names: c.437A>C, p.Glu146Ala (NM_001206524.2, NM_001206542.2, NM_001230.5 and 3 more transcripts); short protein forms E146A.
Identifiers: ClinVar variation 3572791 (VCV003572791.3).
Genomic context (GRCh38, chr2:201,187,795, plus strand): 5'-TTGACTCAGAGAACTTAAAGGACATGATCTTCCTTCTGAAAGACTCGCTTCCCAAAACTG[A>C]AATGGTGAGTGGGTCATACAGAATGGGTCTGTGTGAGCACTGTCTTAATCAATGATTAGA-3'
Protein context (NP_116759.2, residues 136-156): FLLKDSLPKT[Glu146Ala]MTSLSFLAFL